The following is an entry in ClinVar:

NM_001042492.3(NF1):c.3732T>A (p.Val1244=)

Gene: NF1 (neurofibromin 1; plus strand). Cytogenetic location: 17q11.2.
Variant type: single nucleotide variant.
Coding change: c.3732T>A on transcript NM_001042492.3 (MANE Select); coding-DNA position 3732, T replaced by A.
Protein change: p.Val1244=; no amino-acid change (valine 1244 retained).
Molecular consequence: synonymous variant.
Genome position (GRCh38, 1-based): chr17:31,235,634, T>A. VCF-style: chr17-31235634-T-A. GRCh37 (hg19) VCF-style: chr17-29562652-T-A.
Other names: c.3732T>A, p.Val1244= (NM_000267.4).
Identifiers: ClinVar variation 186782 (VCV000186782.23), dbSNP rs756653022, ClinGen allele CA195854.

ClinVar aggregate classification (germline): Conflicting classifications of pathogenicity. Review status: criteria provided, conflicting classifications (1 of 4 stars). 9 submissions from 9 submitters: Uncertain significance (2); Benign (1); Likely benign (5). 1 of the submissions does not count toward it. Last evaluated 2026-05-19.

Conditions:
NF1-related disorder. Also called: NF1-related condition. Identifiers: MedGen CN379171.
Hereditary cancer-predisposing syndrome. Also called: Tumor predisposition; Neoplastic Syndromes, Hereditary; Hereditary neoplastic syndrome; Hereditary Cancer Syndrome. Identifiers: Orphanet 140162, MedGen C0027672, MeSH D009386, MONDO:0015356.
Neurofibromatosis, familial spinal (FSNF). Identifiers: Orphanet 636, MedGen C1834235, MONDO:0008078, OMIM 162210. Disease mechanism: loss of function.
Neurofibromatosis-Noonan syndrome (NFNS). Also called: NEUROFIBROMATOSIS WITH NOONAN PHENOTYPE. Identifiers: Orphanet 638, MedGen C2931482, MONDO:0011035, OMIM 601321. Disease mechanism: loss of function.
Neurofibromatosis, type 1 (NF1). Also called: NEUROFIBROMATOSIS, TYPE I, SOMATIC; Peripheral type neurofibromatosis; VON RECKLINGHAUSEN DISEASE; Neurofibromatosis, type I. Identifiers: Orphanet 636, MedGen C0027831, MONDO:0018975, OMIM 162200. Disease mechanism: loss of function.
Café-au-lait macules with pulmonary stenosis (WTSN). Also called: PULMONIC STENOSIS WITH CAFE-AU-LAIT SPOTS. Identifiers: MedGen C0553586, MONDO:0008672, OMIM 193520.
Juvenile myelomonocytic leukemia (JMML). Also called: LEUKEMIA, JUVENILE MYELOMONOCYTIC, SOMATIC. Identifiers: Orphanet 86834, MedGen C0349639, MONDO:0011908, OMIM 607785, HP:0012209.

Allele frequency attached by ClinVar (database versions not stated): TOPMed below 0.00001; gnomAD 0.00001; ExAC 0.00003; gnomAD exomes 0.00003.
gnomAD v4.1: 21 of 1,614,040 alleles (0.0013%); highest among the groups gnomAD compares: Non-Finnish European, 0.0017%; no homozygotes.

Submissions (9):

Myriad Genetics, Inc.
Classification: Benign for Neurofibromatosis, type 1. Last evaluated: 2026-05-19. Review status: criteria provided, single submitter. Criteria: Myriad Autosomal Dominant, Autosomal Recessive and X-Linked Classification Criteria (2023). Collection method: clinical testing. Allele origin: unknown.
Comment: This variant is considered benign. This variant is a silent/synonymous amino acid change and it is not expected to impact splicing.

Labcorp Genetics (formerly Invitae), Labcorp
Classification: Likely benign for Neurofibromatosis, type 1. Last evaluated: 2025-12-21. Review status: criteria provided, single submitter. Criteria: Invitae Variant Classification Sherloc (09022015). Collection method: clinical testing. Allele origin: germline.

Blueprint Genetics
Classification: Likely benign. Last evaluated: 2024-11-27. Review status: criteria provided, single submitter. Criteria: ACMG Guidelines, 2015. Collection method: clinical testing. Allele origin: germline.

Fulgent Genetics
Classification: Uncertain significance for Neurofibromatosis, type 1; Neurofibromatosis, familial spinal; Café-au-lait macules with pulmonary stenosis; Neurofibromatosis-Noonan syndrome; Juvenile myelomonocytic leukemia. Last evaluated: 2024-01-23. Review status: criteria provided, single submitter. Criteria: ACMG Guidelines, 2015. Collection method: clinical testing. Allele origin: germline.

Sema4
Classification: Uncertain significance for Hereditary cancer-predisposing syndrome. Last evaluated: 2022-03-08. Review status: criteria provided, single submitter. Criteria: Sema4 Curation Guidelines. Collection method: curation. Allele origin: germline.
Comment: The NF1 c.3732T>A (p.V1244=) variant has not been reported in the literature to our knowledge. This variant was observed in 7/113710 chromosomes in the Non-Finnish European population according to the Genome Aggregation Database (PMID: 32461654). This variant has been reported in ClinVar (Variation ID: 186782).The nucleotide is weakly conserved and in silico tools suggest that this variant may impact splicing, though these predictions have not been confirmed by functional studies. The evidence is insufficient to meet ACMG/AMP criteria for classifying the variant as benign or pathogenic. Thus, the clinical significance of this variant is currently uncertain.

GeneDx
Classification: Likely benign. Last evaluated: 2018-01-11. Review status: criteria provided, single submitter. Criteria: GeneDx Variant Classification (06012015). Collection method: clinical testing. Allele origin: germline. Affected: yes.
Comment: This variant is considered likely benign or benign based on one or more of the following criteria: it is a conservative change, it occurs at a poorly conserved position in the protein, it is predicted to be benign by multiple in silico algorithms, and/or has population frequency not consistent with disease.

Laboratory for Molecular Medicine, Mass General Brigham Personalized Medicine
Classification: Likely benign. Last evaluated: 2016-01-05. Review status: criteria provided, single submitter. Criteria: LMM Criteria. Collection method: clinical testing. Allele origin: germline. Observed: 1 variant allele.
Comment: p.Val1244Val variant in NF1 has been identified in 4/66738 European chromosomes by the Exome Aggregation Consortium (ExAC,, dbSN P rs756653022). While the variant does not alter an amino acid residue, computat ional tools suggest the creation of a novel splice site. However, this informati on is not predictive enough to determine pathogenicity. Although a role in disea se cannot be fully excluded, its presence in the general population and lack of impact to the protein sequence suggests that it is likely to be benign.

Ambry Genetics
Classification: Likely benign for Hereditary cancer-predisposing syndrome. Last evaluated: 2014-10-17. Review status: criteria provided, single submitter. Criteria: Ambry Autosomal Dominant and X-Linked criteria (10/2015). Collection method: clinical testing. Allele origin: germline. Observed: 1 variant allele.

PreventionGenetics, part of Exact Sciences
Classification: Likely benign for NF1-related condition. Last evaluated: 2022-12-10. Review status: no assertion criteria provided. Collection method: clinical testing. Allele origin: germline. Not counted in ClinVar's aggregate classification.
Comment: This variant is classified as likely benign based on ACMG/AMP sequence variant interpretation guidelines (Richards et al. 2015 PMID: 25741868, with internal and published modifications).